The following is an entry in ClinVar:

NM_001278116.2(L1CAM):c.46C>T (p.Pro16Ser)

Gene: L1CAM (L1 cell adhesion molecule; minus strand). Cytogenetic location: Xq28.
Variant type: single nucleotide variant.
Coding change: c.46C>T on transcript NM_001278116.2 (MANE Select); coding-DNA position 46, C replaced by T.
Protein change: p.Pro16Ser; replaces proline 16 with serine.
Molecular consequence: missense variant.
Genome position (GRCh38, 1-based): chrX:153,875,791, G>A on the plus strand (C>T on the coding strand, the complement: L1CAM is on the minus strand). VCF-style: chrX-153875791-G-A. GRCh37 (hg19) VCF-style: chrX-153141246-G-A.
Other names: c.46C>T, p.Pro16Ser (NM_000425.5, NM_001143963.2, NM_024003.3); short protein forms P16S.
Identifiers: ClinVar variation 4802221 (VCV004802221.1).

ClinVar aggregate classification (germline): Uncertain significance (1 of 4 stars; one submission).

Conditions:
Spastic paraplegia. Identifiers: MedGen C0037772, HP:0001258.

Submission:

Labcorp Genetics (formerly Invitae), Labcorp
Classification: Uncertain significance for Spastic paraplegia. Last evaluated: 2025-03-17. Review status: criteria provided, single submitter. Criteria: Invitae Variant Classification Sherloc (09022015). Collection method: clinical testing. Allele origin: germline.
Comment: This sequence change replaces proline, which is neutral and non-polar, with serine, which is neutral and polar, at codon 16 of the L1CAM protein (p.Pro16Ser). This variant is not present in population databases (gnomAD no frequency). This variant has not been reported in the literature in individuals affected with L1CAM-related conditions. Invitae Evidence Modeling of protein sequence and biophysical properties (such as structural, functional, and spatial information, amino acid conservation, physicochemical variation, residue mobility, and thermodynamic stability) indicates that this missense variant is not expected to disrupt L1CAM protein function with a negative predictive value of 95%. In summary, the available evidence is currently insufficient to determine the role of this variant in disease. Therefore, it has been classified as a Variant of Uncertain Significance.